The following is an entry in ClinVar:

NM_022089.4(ATP13A2):c.904G>A (p.Gly302Arg)

Gene: ATP13A2 (ATPase cation transporting 13A2; minus strand). Cytogenetic location: 1p36.13.
Variant type: single nucleotide variant.
Coding change: c.904G>A on transcript NM_022089.4 (MANE Select); coding-DNA position 904, G replaced by A.
Protein change: p.Gly302Arg; replaces glycine 302 with arginine.
Molecular consequence: missense variant.
Genome position (GRCh38, 1-based): chr1:17,000,249, C>T on the plus strand (G>A on the coding strand, the complement: ATP13A2 is on the minus strand). VCF-style: chr1-17000249-C-T. GRCh37 (hg19) VCF-style: chr1-17326744-C-T.
Other names: c.889G>A, p.Gly297Arg (NM_001141973.3, NM_001141974.3); short protein forms G297R, G302R.
Identifiers: ClinVar variation 1515925 (VCV001515925.8), dbSNP rs948455777, ClinGen allele CA18641964.

ClinVar aggregate classification (germline): Uncertain significance (1 of 4 stars; one submission).

Conditions:
Kufor-Rakeb syndrome (KRS). Also called: PARKINSON DISEASE 9, AUTOSOMAL RECESSIVE, JUVENILE-ONSET. Identifiers: Orphanet 306674, Orphanet 314632, MedGen C1847640, MONDO:0011706, OMIM 606693.
Autosomal recessive spastic paraplegia type 78. Identifiers: Orphanet 513436, MedGen C5567893, MONDO:0014975, OMIM 617225.

Submission:

Labcorp Genetics (formerly Invitae), Labcorp
Classification: Uncertain significance for Kufor-Rakeb syndrome; Autosomal recessive spastic paraplegia type 78. Last evaluated: 2021-03-31. Review status: criteria provided, single submitter. Criteria: Invitae Variant Classification Sherloc (09022015). Collection method: clinical testing. Allele origin: germline.
Comment: In summary, the available evidence is currently insufficient to determine the role of this variant in disease. Therefore, it has been classified as a Variant of Uncertain Significance. Advanced modeling of protein sequence and biophysical properties (such as structural, functional, and spatial information, amino acid conservation, physicochemical variation, residue mobility, and thermodynamic stability) performed at Invitae indicates that this missense variant is not expected to disrupt ATP13A2 protein function. This variant has not been reported in the literature in individuals with ATP13A2-related conditions. This variant is not present in population databases (ExAC no frequency). This sequence change replaces glycine with arginine at codon 302 of the ATP13A2 protein (p.Gly302Arg). The glycine residue is highly conserved and there is a moderate physicochemical difference between glycine and arginine.